The following is an entry in ClinVar:

NM_024675.4(PALB2):c.2761C>G (p.Gln921Glu)

Gene: PALB2 (partner and localizer of BRCA2; minus strand). Cytogenetic location: 16p12.2.
Variant type: single nucleotide variant.
Coding change: c.2761C>G on transcript NM_024675.4 (MANE Select); coding-DNA position 2761, C replaced by G.
Protein change: p.Gln921Glu; replaces glutamine 921 with glutamic acid.
Molecular consequence: missense variant.
Genome position (GRCh38, 1-based): chr16:23,624,082, G>C on the plus strand (C>G on the coding strand, the complement: PALB2 is on the minus strand). VCF-style: chr16-23624082-G-C. GRCh37 (hg19) VCF-style: chr16-23635403-G-C.
Other names: c.1876C>G, p.Gln626Glu (NM_001407309.1, NM_001407310.1, NM_001407311.1 and 4 more transcripts); c.973C>G, p.Gln325Glu (NM_001407312.1, NM_001407313.1); c.295C>G, p.Gln99Glu (NM_001407314.1); c.2701C>G, p.Gln901Glu (NM_001407296.1); c.2689C>G, p.Gln897Glu (NM_001407297.1); c.2599C>G, p.Gln867Glu (NM_001407298.1, NM_001407302.1); c.2761C>G, p.Gln921Glu (NM_001407299.1, NM_001407300.1, NM_001407301.1); c.1714C>G, p.Gln572Glu (NM_001407307.1); short protein forms Q867E, Q325E, Q572E, Q897E, Q626E, Q901E, Q921E, Q99E.
Identifiers: ClinVar variation 4735262 (VCV004735262.1).
Genomic context (GRCh38, chr16:23,624,082, plus strand): 5'-TTTCCAAATTTCCCAAAGCTACACACACGAGATTATACACATCAGGCACTGGAACTATCT[G>C]TAATACTGGAACCTAAATAAAACAAAGCAGCCAAAAATTATGCTTGGTTGTTTCATTTTT-3'
Protein context (NP_078951.2, residues 911-931): TWHFAEVPVL[Gln921Glu]IVPVPDVYNL

ClinVar aggregate classification (germline): Uncertain significance (1 of 4 stars; one submission).

Conditions:
Familial cancer of breast. Also called: hereditary breast carcinoma; BREAST CANCER, FAMILIAL; Hereditary breast cancer. Identifiers: Orphanet 227535, MedGen C0346153, MONDO:0016419, OMIM 114480. Disease mechanism: loss of function.

Submission:

Labcorp Genetics (formerly Invitae), Labcorp
Classification: Uncertain significance for Familial cancer of breast. Last evaluated: 2025-05-19. Review status: criteria provided, single submitter. Criteria: Invitae Variant Classification Sherloc (09022015). Collection method: clinical testing. Allele origin: germline.
Comment: This sequence change replaces glutamine, which is neutral and polar, with glutamic acid, which is acidic and polar, at codon 921 of the PALB2 protein (p.Gln921Glu). This variant is not present in population databases (gnomAD no frequency). This variant has not been reported in the literature in individuals affected with PALB2-related conditions. Invitae Evidence Modeling of protein sequence and biophysical properties (such as structural, functional, and spatial information, amino acid conservation, physicochemical variation, residue mobility, and thermodynamic stability) has been performed for this missense variant. However, the output from this modeling did not meet the statistical confidence thresholds required to predict the impact of this variant on PALB2 protein function. In summary, the available evidence is currently insufficient to determine the role of this variant in disease. Therefore, it has been classified as a Variant of Uncertain Significance.